The following is an entry in ClinVar:

NM_001909.5(CTSD):c.68+251G>C

Genes: CTSD (cathepsin D; minus strand), LOC130005118 (ATAC-STARR-seq lymphoblastoid silent region 3057; plus strand). Cytogenetic location: 11p15.5.
Variant type: single nucleotide variant.
Coding change: c.68+251G>C on transcript NM_001909.5 (MANE Select); 251 bases into the intron after coding-DNA position 68, G replaced by C.
Molecular consequence: intron variant.
Genome position (GRCh38, 1-based): chr11:1,763,541, C>G on the plus strand (G>C on the coding strand, the complement: CTSD is on the minus strand). VCF-style: chr11-1763541-C-G. GRCh37 (hg19) VCF-style: chr11-1784771-C-G.
Identifiers: ClinVar variation 673486 (VCV000673486.1), dbSNP rs147731370, ClinGen allele CA13453717.

ClinVar aggregate classification (germline): Likely benign (1 of 4 stars; one submission).

Allele frequency attached by ClinVar (database versions not stated): gnomAD exomes 0.00048; 1000 Genomes Project 0.00499; 1000 Genomes Project 30x 0.00578; gnomAD 0.00723 and 0.00786; TOPMed 0.00846.

Submission:

GeneDx
Classification: Likely benign. Last evaluated: 2018-06-16. Review status: criteria provided, single submitter. Criteria: GeneDx Variant Classification (06012015). Collection method: clinical testing. Allele origin: germline. Affected: yes.
Comment: This variant is considered likely benign or benign based on one or more of the following criteria: it is a conservative change, it occurs at a poorly conserved position in the protein, it is predicted to be benign by multiple in silico algorithms, and/or has population frequency not consistent with disease.